The following is an entry in ClinVar:

NM_025219.3(DNAJC5):c.*727C>G

Gene: DNAJC5 (DnaJ heat shock protein family (Hsp40) member C5; plus strand). Cytogenetic location: 20q13.33.
Variant type: single nucleotide variant.
Coding change: c.*727C>G on transcript NM_025219.3 (MANE Select); 727 bases downstream of the stop codon, C replaced by G.
Molecular consequence: 3 prime UTR variant.
Genome position (GRCh38, 1-based): chr20:63,932,295, C>G. VCF-style: chr20-63932295-C-G. GRCh37 (hg19) VCF-style: chr20-62563648-C-G.
Identifiers: ClinVar variation 339371 (VCV000339371.6), dbSNP rs75130625, ClinGen allele CA10644397.
Genomic context (GRCh38, chr20:63,932,295, plus strand): 5'-AAGCATAGGAGGCCCCTTCCGAGGTTGACACCGTGTCCTCCGCGGTGTTTCTCGCCTGGT[C>G]GTCTCGTCGTGTGGACGCTGCCGTTCTGGTTCTCGGAGGTGTGTCCTTCGCCGTGTTGGG-3'

ClinVar aggregate classification (germline): Benign (1 of 4 stars; one submission).

Conditions:
Ceroid lipofuscinosis, neuronal, 4 (Kufs type) (CLN4). Also called: Neuronal ceroid lipofuscinosis 4B; Ceroid lipofuscinosis, neuronal, 4, Parry type. Identifiers: Orphanet 228343, Orphanet 79262, MedGen C1834207, MONDO:0008083, OMIM 162350.

Allele frequency attached by ClinVar (database versions not stated): 1000 Genomes Project 0.00879; 1000 Genomes Project 30x 0.00953.

Submission:

Illumina Laboratory Services, Illumina
Classification: Benign for Ceroid lipofuscinosis, neuronal, 4 (Kufs type). Last evaluated: 2018-01-13. Review status: criteria provided, single submitter. Criteria: ICSL Variant Classification Criteria 13 December 2019. Collection method: clinical testing. Allele origin: germline.
Comment: This variant was observed in the ICSL laboratory as part of a predisposition screen in an ostensibly healthy population. It had not been previously curated by ICSL or reported in the Human Gene Mutation Database (HGMD: prior to June 1st, 2018), and was therefore a candidate for classification through an automated scoring system. Utilizing variant allele frequency, disease prevalence and penetrance estimates, and inheritance mode, an automated score was calculated to assess if this variant is too frequent to cause the disease. Based on the score and internal cut-off values, a variant classified as benign is not then subjected to further curation. The score for this variant resulted in a classification of benign for this disease.